The following is an entry in ClinVar:

NM_012242.4(DKK1):c.548-4G>A

Gene: DKK1 (dickkopf Wnt signaling pathway inhibitor 1; plus strand). Cytogenetic location: 10q21.1.
Variant type: single nucleotide variant.
Coding change: c.548-4G>A on transcript NM_012242.4 (MANE Select); 4 bases into the intron before coding-DNA position 548, G replaced by A.
Molecular consequence: intron variant.
Genome position (GRCh38, 1-based): chr10:52,316,550, G>A. VCF-style: chr10-52316550-G-A. GRCh37 (hg19) VCF-style: chr10-54076310-G-A.
Other names: NC_000010.10:g.54076310G>A.
Identifiers: ClinVar variation 773234 (VCV000773234.28), dbSNP rs183951849, ClinGen allele CA5504192.

ClinVar aggregate classification (germline): Benign/Likely benign. Review status: criteria provided, multiple submitters, no conflicts (2 of 4 stars). 2 submissions from 2 submitters: Benign (1); Likely benign (1). Last evaluated 2025-08-01.

Allele frequency attached by ClinVar (database versions not stated): 1000 Genomes Project 30x 0.00016; TOPMed 0.00232; ESP Exome Variant Server 0.00369.

Submissions (6):

CeGaT Center for Human Genetics Tuebingen
Classification: Likely benign. Last evaluated: 2025-08-01. Review status: criteria provided, single submitter. Criteria: CeGaT Center For Human Genetics Tuebingen Variant Classification Criteria Version 2. Collection method: clinical testing. Allele origin: germline. Affected: yes. Observed: 8 variant alleles.
Comment: DKK1: BP4, BS2

Labcorp Genetics (formerly Invitae), Labcorp
Classification: Benign. Last evaluated: 2018-07-26. Review status: criteria provided, single submitter. Criteria: Invitae Variant Classification Sherloc (09022015). Collection method: clinical testing. Allele origin: germline.

Dr. Peter K. Rogan Lab, Western University
No classification provided (evidence only). Condition: Lung cancer. Review status: no classification provided. Collection method: in vitro. Allele origin: not applicable. Functional consequence: retained intron. Not counted in ClinVar's aggregate classification.

Dr. Peter K. Rogan Lab, Western University
No classification provided (evidence only). Condition: Melanoma. Review status: no classification provided. Collection method: in vitro. Allele origin: not applicable. Functional consequence: retained intron. Not counted in ClinVar's aggregate classification.

Dr. Peter K. Rogan Lab, Western University
No classification provided (evidence only). Condition: Nonpapillary renal cell carcinoma. Review status: no classification provided. Collection method: in vitro. Allele origin: not applicable. Functional consequence: retained intron. Not counted in ClinVar's aggregate classification.

Dr. Peter K. Rogan Lab, Western University
No classification provided (evidence only). Condition: Malignant tumor of esophagus. Review status: no classification provided. Collection method: in vitro. Allele origin: not applicable. Functional consequence: retained intron. Not counted in ClinVar's aggregate classification.